The following is an entry in ClinVar:

NM_020436.5(SALL4):c.3106G>A (p.Val1036Ile)

Gene: SALL4 (spalt like transcription factor 4; minus strand). Cytogenetic location: 20q13.2.
Variant type: single nucleotide variant.
Coding change: c.3106G>A on transcript NM_020436.5 (MANE Select); coding-DNA position 3106, G replaced by A.
Protein change: p.Val1036Ile; replaces valine 1036 with isoleucine.
Molecular consequence: missense variant.
Genome position (GRCh38, 1-based): chr20:51,784,321, C>T on the plus strand (G>A on the coding strand, the complement: SALL4 is on the minus strand). VCF-style: chr20-51784321-C-T. GRCh37 (hg19) VCF-style: chr20-50400860-C-T.
Other names: c.1795G>A, p.Val599Ile (NM_001318031.2); short protein forms V599I, V1036I.
Identifiers: ClinVar variation 3587322 (VCV003587322.3).

ClinVar aggregate classification (germline): Uncertain significance. Review status: criteria provided, multiple submitters, no conflicts (2 of 4 stars). 2 submissions from 2 submitters: Uncertain significance (2). Last evaluated 2024-04-30.

Conditions:
Oculootoradial syndrome (IVIC). Also called: RADIAL RAY DEFECTS, HEARING IMPAIRMENT, EXTERNAL OPHTHALMOPLEGIA, AND THROMBOCYTOPENIA; IVIC syndrome. Identifiers: Orphanet 2307, MedGen C1327918, MONDO:0007836, OMIM 147750.
Duane-radial ray syndrome (DRRS). Also called: ACRORENOOCULAR SYNDROME; DR SYNDROME; DUANE ANOMALY WITH RADIAL RAY ABNORMALITIES AND DEAFNESS; Duane-Radial Ray Syndrome (DRRS) / Okihiro Syndrome; Okihiro Syndrome; Duane-Radial Ray Syndrome/Okihiro Syndrome. Identifiers: Orphanet 93293, Orphanet 959, MedGen C1623209, MONDO:0011812, OMIM 607323. Disease mechanism: gain of function.

gnomAD v4.1: 31 of 1,614,056 alleles (0.0019%); highest among the groups gnomAD compares: South Asian, 0.013%; no homozygotes.

Submissions (2):

Labcorp Genetics (formerly Invitae), Labcorp
Classification: Uncertain significance for Duane-radial ray syndrome. Last evaluated: 2024-04-30. Review status: criteria provided, single submitter. Criteria: Invitae Variant Classification Sherloc (09022015). Collection method: clinical testing. Allele origin: germline.
Comment: This sequence change replaces valine, which is neutral and non-polar, with isoleucine, which is neutral and non-polar, at codon 1036 of the SALL4 protein (p.Val1036Ile). This variant is present in population databases (rs377696653, gnomAD 0.02%). This variant has not been reported in the literature in individuals affected with SALL4-related conditions. An algorithm developed to predict the effect of missense changes on protein structure and function (PolyPhen-2) suggests that this variant is likely to be tolerated. In summary, the available evidence is currently insufficient to determine the role of this variant in disease. Therefore, it has been classified as a Variant of Uncertain Significance.

Fulgent Genetics
Classification: Uncertain significance for Oculootoradial syndrome; Duane-radial ray syndrome. Last evaluated: 2024-02-04. Review status: criteria provided, single submitter. Criteria: ACMG Guidelines, 2015. Collection method: clinical testing. Allele origin: germline.